The following is an entry in ClinVar:

ClinVar aggregate classification (germline): Conflicting classifications of pathogenicity. Review status: criteria provided, conflicting classifications (1 of 4 stars). 2 submissions from 2 submitters: Uncertain significance (1); Likely benign (1). Last evaluated 2025-04-07.

Conditions:
Hereditary spastic paraplegia 3A (SPG3A). Also called: SPASTIC PARAPLEGIA 3, AUTOSOMAL DOMINANT; FAMILIAL SPASTIC PARAPLEGIA, AUTOSOMAL DOMINANT, 1; SPG3; STRUMPELL DISEASE; Spastic Paraplegia 3A; Spastic paraplegia 3A, autosomal dominant. Identifiers: Orphanet 100984, MedGen C2931355, MONDO:0008437, OMIM 182600.

gnomAD v4.1: 1 of 1,612,112 alleles (0.000062%); highest among the groups gnomAD compares: Admixed American, 0.0017%; no homozygotes.

Submissions (2):

Women's Health and Genetics/Laboratory Corporation of America, LabCorp
Classification: Uncertain significance. Last evaluated: 2025-04-07. Review status: criteria provided, single submitter. Criteria: LabCorp Variant Classification Summary - May 2015. Collection method: clinical testing. Allele origin: germline.
Comment: Variant summary: ATL1 c.990+20A>G alters a nucleotide located at a position not widely known to affect splicing. Several computational tools predict a significant impact on normal splicing: One predicts the variant creates a 3' acceptor site. Three predict the variant strengthens a 3' acceptor site. However, these predictions have yet to be confirmed by functional studies. The variant allele was found at a frequency of 8e-06 in 251154 control chromosomes (gnomAD). The available data on variant occurrences in the general population are insufficient to allow any conclusion about variant significance. To our knowledge, no occurrence of c.990+20A>G in individuals affected with Hereditary spastic paraplegia 3A and no experimental evidence demonstrating its impact on protein function have been reported. No submitters have cited clinical-significance assessments for this variant to ClinVar. Based on the evidence outlined above, the variant was classified as uncertain significance.

Labcorp Genetics (formerly Invitae), Labcorp
Classification: Likely benign for Hereditary spastic paraplegia 3A. Last evaluated: 2024-07-06. Review status: criteria provided, single submitter. Criteria: Invitae Variant Classification Sherloc (09022015). Collection method: clinical testing. Allele origin: germline.

NM_015915.5(ATL1):c.990+20A>G

Gene: ATL1 (atlastin GTPase 1; plus strand). Cytogenetic location: 14q22.1.
Variant type: single nucleotide variant.
Coding change: c.990+20A>G on transcript NM_015915.5 (MANE Select); 20 bases into the intron after coding-DNA position 990, A replaced by G.
Molecular consequence: intron variant.
Genome position (GRCh38, 1-based): chr14:50,620,746, A>G. VCF-style: chr14-50620746-A-G. GRCh37 (hg19) VCF-style: chr14-51087464-A-G.
Other names: c.990+20A>G (NM_001127713.1, NM_181598.4).
Identifiers: ClinVar variation 3629019 (VCV003629019.4).
Genomic context (GRCh38, chr14:50,620,746, plus strand): 5'-GGAATAAAATCACCTGCCGGGGTCTGGTGGAGTACTTCAAGGTATCACTCTCATTTCTAG[A>G]GCATTCGTGGGATAGATTTGACATATATTGGATCGTAATTCCTATAAACAAAAATTATAG-3'